The following is an entry in ClinVar:

ClinVar aggregate classification (germline): Conflicting classifications of pathogenicity. Review status: criteria provided, conflicting classifications (1 of 4 stars). 3 submissions from 3 submitters: Likely pathogenic (2); Uncertain significance (1). Last evaluated 2025-10-13.

Conditions:
ARSA-related disorder. Also called: ARSA-related condition.
Metachromatic leukodystrophy (MLD). Also called: Arylsulfatase A Deficiency; Cerebral sclerosis diffuse metachromatic form; SULFATIDE LIPIDOSIS; ARSA DEFICIENCY; CEREBROSIDE SULFATASE DEFICIENCY; METACHROMATIC LEUKOENCEPHALOPATHY. Identifiers: Orphanet 512, MedGen C0023522, MONDO:0018868, OMIM 250100.

Allele frequency attached by ClinVar (database versions not stated): gnomAD 0.00001 and 0.00002; ExAC 0.00002; gnomAD exomes 0.00002.
gnomAD v4.1: 25 of 1,613,520 alleles (0.0015%); highest among the groups gnomAD compares: South Asian, 0.0066%; no homozygotes.

Submissions (3):

Women's Health and Genetics/Laboratory Corporation of America, LabCorp
Classification: Uncertain significance. Last evaluated: 2025-10-13. Review status: criteria provided, single submitter. Criteria: LabCorp Variant Classification Summary - May 2015. Collection method: clinical testing. Allele origin: germline.
Comment: Variant summary: ARSA c.892G>A (p.Gly298Ser) results in a non-conservative amino acid change in the encoded protein sequence. Algorithms developed to predict the effect of missense changes on protein structure and function all suggest that this variant is likely to be disruptive. The variant allele was found at a frequency of 1.6e-05 in 248584 control chromosomes. To our knowledge, no occurrence of c.892G>A in individuals affected with ARSA-related conditions and no experimental evidence demonstrating its impact on protein function have been reported. Other variant(s) that disrupt this residue have been determined to be pathogenic (examples: p.Gly298Cys, p.Gly298Val). ClinVar contains an entry for this variant (Variation ID: 1468950). Based on the evidence outlined above, the variant was classified as VUS-possibly pathogenic.

Labcorp Genetics (formerly Invitae), Labcorp
Classification: Likely pathogenic for Metachromatic leukodystrophy. Last evaluated: 2025-04-07. Review status: criteria provided, single submitter. Criteria: Invitae Variant Classification Sherloc (09022015). Collection method: clinical testing. Allele origin: germline.
Comment: This sequence change replaces glycine, which is neutral and non-polar, with serine, which is neutral and polar, at codon 298 of the ARSA protein (p.Gly298Ser). This variant is present in population databases (rs748876604, gnomAD 0.01%). This variant has not been reported in the literature in individuals affected with ARSA-related conditions. ClinVar contains an entry for this variant (Variation ID: 1468950). Invitae Evidence Modeling of protein sequence and biophysical properties (such as structural, functional, and spatial information, amino acid conservation, physicochemical variation, residue mobility, and thermodynamic stability) indicates that this missense variant is expected to disrupt ARSA protein function with a positive predictive value of 95%. This variant disrupts the p.Gly298 amino acid residue in ARSA. Other variant(s) that disrupt this residue have been determined to be pathogenic (PMID: 30057904, 32617873). This suggests that this residue is clinically significant, and that variants that disrupt this residue are likely to be disease-causing. In summary, the currently available evidence indicates that the variant is pathogenic, but additional data are needed to prove that conclusively. Therefore, this variant has been classified as Likely Pathogenic.

Blueprint Genetics
Classification: Likely pathogenic for ARSA-related disorders. Last evaluated: 2024-07-23. Review status: criteria provided, single submitter. Criteria: ACMG Guidelines, 2015. Collection method: clinical testing. Allele origin: germline. Affected: yes. Observed: 3 variant alleles.

Literature cited by the submitters: PubMed 30057904 (cited by Labcorp Genetics (formerly Invitae), Labcorp); PubMed 32617873 (cited by Labcorp Genetics (formerly Invitae), Labcorp).

NM_000487.6(ARSA):c.892G>A (p.Gly298Ser)

Gene: ARSA (arylsulfatase A; minus strand). Cytogenetic location: 22q13.33.
Variant type: single nucleotide variant.
Coding change: c.892G>A on transcript NM_000487.6 (MANE Select); coding-DNA position 892, G replaced by A.
Protein change: p.Gly298Ser; replaces glycine 298 with serine.
Molecular consequence: missense variant.
Genome position (GRCh38, 1-based): chr22:50,626,241, C>T on the plus strand (G>A on the coding strand, the complement: ARSA is on the minus strand). VCF-style: chr22-50626241-C-T. GRCh37 (hg19) VCF-style: chr22-51064669-C-T.
Other names: c.892G>A, p.Gly298Ser (NM_001085425.3, NM_001085426.3, NM_001085427.3); c.634G>A, p.Gly212Ser (NM_001085428.3, NM_001362782.2); short protein forms G212S, G298S.
Identifiers: ClinVar variation 1468950 (VCV001468950.10), dbSNP rs748876604, ClinGen allele CA10324884.